The following is an entry in ClinVar:

ClinVar aggregate classification (germline): Pathogenic (1 of 4 stars; one submission).

Conditions:
Inborn genetic diseases. Identifiers: MedGen C0950123, MeSH D030342.

Submission:

Ambry Genetics
Classification: Pathogenic for Inborn genetic diseases. Last evaluated: 2024-10-18. Review status: criteria provided, single submitter. Criteria: Ambry Variant Classification Scheme 2023. Collection method: clinical testing. Allele origin: germline.
Comment: The c.3547_3550dupGCTA (p.T1184Sfs*8) alteration, located in exon 3 (coding exon 2) of the ASH1L gene, consists of a duplication of GCTA at position 3547, causing a translational frameshift with a predicted alternate stop codon after 8 amino acids. This alteration is expected to result in loss of function by premature protein truncation or nonsense-mediated mRNA decay. This variant was not reported in population-based cohorts in the Genome Aggregation Database (gnomAD). Based on the available evidence, this alteration is classified as pathogenic.

NM_018489.3(ASH1L):c.3547_3550dup (p.Thr1184fs)

Gene: ASH1L (ASH1 like histone lysine methyltransferase; minus strand). Cytogenetic location: 1q22.
Variant type: Duplication.
Coding change: c.3547_3550dup on transcript NM_018489.3 (MANE Select); coding-DNA positions 3547 to 3550, 4 bases duplicated (GCTA; older notation c.3547_3550dupGCTA).
Protein change: p.Thr1184fs; shifts the reading frame from threonine 1184.
Molecular consequence: frameshift variant.
Genome position (GRCh38, 1-based): chr1:155,479,320-155,479,323, TAGC duplicated on the plus strand (GCTA on the coding strand, the reverse complement: ASH1L is on the minus strand); duplicating any 4 consecutive bases within chr1:155,479,320-155,479,324 gives the same sequence; the c. name uses the placement nearest the transcript's 3' end. VCF-style (leftmost placement, unchanged base first): chr1-155479319-G-GTAGC. GRCh37 (hg19) VCF-style: chr1-155449110-G-GTAGC.
Other names: c.3547_3550dup, p.Thr1184fs (NM_001366177.2); short protein forms T1184fs.
Identifiers: ClinVar variation 3436061 (VCV003436061.1).
Genomic context (GRCh38, chr1:155,479,319, plus strand): 5'-CCAATTCCACTATCACTGGGAATGGTCTCATCACTATGAGACTCACTGATTGGGGAAGGA[G>GTAGC]TAGCTTCTTTTAGAGATGTGAGTTCACTCAAGTGCGAAGGAGAATTTGGCAACAAAGTAG-3'